The following is an entry in ClinVar:

NM_000059.4(BRCA2):c.4396T>G (p.Leu1466Val)

Gene: BRCA2 (BRCA2 DNA repair associated; plus strand). Cytogenetic location: 13q13.1.
Variant type: single nucleotide variant.
Coding change: c.4396T>G on transcript NM_000059.4 (MANE Select); coding-DNA position 4396, T replaced by G.
Protein change: p.Leu1466Val; replaces leucine 1466 with valine.
Molecular consequence: missense variant. On other transcripts: non-coding transcript variant (1), intron variant (2).
Genome position (GRCh38, 1-based): chr13:32,338,751, T>G. VCF-style: chr13-32338751-T-G. GRCh37 (hg19) VCF-style: chr13-32912888-T-G.
Other names: c.4396T>G, p.Leu1466Val (NM_001406719.1, NM_001406720.1, NM_001432077.1); c.1909+5364T>G (NM_001406721.1); c.425-5807T>G (NM_001406722.1); short protein forms L1466V.
Identifiers: ClinVar variation 3636473 (VCV003636473.2).

ClinVar aggregate classification (germline): Uncertain significance (1 of 4 stars; one submission).

Conditions:
Hereditary breast ovarian cancer syndrome. Also called: Hereditary breast and ovarian cancer syndrome; Hereditary breast and ovarian cancer syndrome (HBOC); BRCA1- and BRCA2-Associated Hereditary Breast and Ovarian Cancer; Hereditary breast and ovarian cancer; Breast and ovarian cancer; Hereditary breast and/or ovarian cancer syndrome. Identifiers: Orphanet 145, MedGen C0677776, MeSH D061325, MONDO:0003582. Disease mechanism: loss of function.

Submission:

Labcorp Genetics (formerly Invitae), Labcorp
Classification: Uncertain significance for Hereditary breast ovarian cancer syndrome. Last evaluated: 2024-08-28. Review status: criteria provided, single submitter. Criteria: Invitae Variant Classification Sherloc (09022015). Collection method: clinical testing. Allele origin: germline.
Comment: This sequence change replaces leucine, which is neutral and non-polar, with valine, which is neutral and non-polar, at codon 1466 of the BRCA2 protein (p.Leu1466Val). This variant is not present in population databases (gnomAD no frequency). This variant has not been reported in the literature in individuals affected with BRCA2-related conditions. Invitae Evidence Modeling of protein sequence and biophysical properties (such as structural, functional, and spatial information, amino acid conservation, physicochemical variation, residue mobility, and thermodynamic stability) indicates that this missense variant is not expected to disrupt BRCA2 protein function with a negative predictive value of 95%. In summary, the available evidence is currently insufficient to determine the role of this variant in disease. Therefore, it has been classified as a Variant of Uncertain Significance.